The following is an entry in ClinVar:

ClinVar aggregate classification (germline): Uncertain significance (0 of 4 stars; one submission).

Submission:

Martin Pollak Laboratory,  Beth Israel Deaconess Medical Center
Classification: Uncertain significance. Review status: no assertion criteria provided. Collection method: not provided. Allele origin: unknown.
Comment: Lower UCa2+ group
ClinVar note: Converted during submission from unknown to Uncertain significance.

NM_022911.3(SLC26A6):c.1618G>C (p.Val540Leu)

Gene: SLC26A6 (solute carrier family 26 member 6; minus strand). Cytogenetic location: 3p21.31.
Variant type: single nucleotide variant.
Coding change: c.1618G>C on transcript NM_022911.3 (MANE Select); coding-DNA position 1618, G replaced by C.
Protein change: p.Val540Leu; replaces valine 540 with leucine.
Molecular consequence: missense variant.
Genome position (GRCh38, 1-based): chr3:48,628,696, C>G on the plus strand (G>C on the coding strand, the complement: SLC26A6 is on the minus strand). VCF-style: chr3-48628696-C-G. GRCh37 (hg19) VCF-style: chr3-48666129-C-G.
Other names: c.1555G>C, p.Val519Leu (NM_001040454.1); c.1510G>C, p.Val504Leu (NM_001281732.2); c.1297G>C, p.Val433Leu (NM_001281733.2); c.1618G>C, p.Val540Leu (NM_134263.3, NM_134426.3); short protein forms V519L, V540L, V504L, V433L.
Identifiers: ClinVar variation 64451 (VCV000064451.2), dbSNP rs387907494, ClinGen allele CA216171.